The following is an entry in ClinVar:

ClinVar aggregate classification (germline): Conflicting classifications of pathogenicity. Review status: criteria provided, conflicting classifications (1 of 4 stars). 4 submissions from 4 submitters: Uncertain significance (3); Likely benign (1). Last evaluated 2026-07-31.

Conditions:
RIPOR2-related disorder. Also called: RIPOR2-related condition.

Allele frequency attached by ClinVar (database versions not stated): ExAC 0.00005; gnomAD 0.00005; TOPMed 0.00005.

Submissions (4):

PreventionGenetics, part of Exact Sciences
Classification: Uncertain significance for RIPOR2-related condition. Last evaluated: 2026-07-31. Review status: criteria provided, single submitter. Criteria: ACMG Guidelines, 2015. Collection method: clinical testing. Allele origin: germline.
Comment: The RIPOR2 c.1324G>A variant is predicted to result in the amino acid substitution p.Ala442Thr. To our knowledge, this variant has not been reported in the literature. This variant is reported in 0.010% of alleles in individuals of East Asian descent in gnomAD, including one homozygote in gnomAD v4.1.1. At this time, the clinical significance of this variant is uncertain due to the absence of conclusive functional and genetic evidence.

GeneDx
Classification: Uncertain significance. Last evaluated: 2025-09-25. Review status: criteria provided, single submitter. Criteria: GeneDx Variant Classification Process June 2021. Collection method: clinical testing. Allele origin: germline.
Comment: In silico analysis suggests that this missense variant does not alter protein structure/function; Has not been previously published as pathogenic or benign to our knowledge

Labcorp Genetics (formerly Invitae), Labcorp
Classification: Uncertain significance. Last evaluated: 2025-08-12. Review status: criteria provided, single submitter. Criteria: Invitae Variant Classification Sherloc (09022015). Collection method: clinical testing. Allele origin: germline.
Comment: This sequence change replaces alanine, which is neutral and non-polar, with threonine, which is neutral and polar, at codon 442 of the FAM65B protein (p.Ala442Thr). This variant is present in population databases (rs764795648, gnomAD 0.01%). This variant has not been reported in the literature in individuals affected with FAM65B-related conditions. ClinVar contains an entry for this variant (Variation ID: 2052798). An algorithm developed to predict the effect of missense changes on protein structure and function outputs the following: PolyPhen-2: "Benign". The threonine amino acid residue is found in multiple mammalian species, which suggests that this missense change does not adversely affect protein function. In summary, the available evidence is currently insufficient to determine the role of this variant in disease. Therefore, it has been classified as a Variant of Uncertain Significance.

Ambry Genetics
Classification: Likely benign. Last evaluated: 2021-07-26. Review status: criteria provided, single submitter. Criteria: Ambry Variant Classification Scheme 2023. Collection method: clinical testing. Allele origin: germline.

NM_001286445.3(RIPOR2):c.1261G>A (p.Ala421Thr)

Gene: RIPOR2 (RHO family interacting cell polarization regulator 2; minus strand). Cytogenetic location: 6p22.3.
Variant type: single nucleotide variant.
Coding change: c.1261G>A on transcript NM_001286445.3 (MANE Select); coding-DNA position 1261, G replaced by A.
Protein change: p.Ala421Thr; replaces alanine 421 with threonine.
Molecular consequence: missense variant.
Genome position (GRCh38, 1-based): chr6:24,843,458, C>T on the plus strand (G>A on the coding strand, the complement: RIPOR2 is on the minus strand). VCF-style: chr6-24843458-C-T. GRCh37 (hg19) VCF-style: chr6-24843686-C-T.
Other names: c.1324G>A (NM_014722.3, NM_014722.4); c.1276G>A, p.Ala426Thr (NM_001286446.3); c.1174G>A, p.Ala392Thr (NM_001286447.2, NM_001346031.2, NM_001346032.2 and 1 more transcripts); c.1324G>A, p.Ala442Thr (NM_014722.5); short protein forms A392T, A442T, A421T, A426T.
Identifiers: ClinVar variation 2052798 (VCV002052798.8), dbSNP rs764795648, ClinGen allele CA3659275.